The following is an entry in ClinVar:

NM_001379500.1(COL18A1):c.3249+1G>C

Genes: COL18A1 (collagen type XVIII alpha 1 chain; plus strand), SLC19A1 (solute carrier family 19 member 1; minus strand). Cytogenetic location: 21q22.3.
Variant type: single nucleotide variant.
Coding change: c.3249+1G>C on transcript NM_001379500.1 (MANE Select); the canonical splice donor site of the intron after coding-DNA position 3249, G replaced by C.
Molecular consequence: splice donor variant.
Genome position (GRCh38, 1-based): chr21:45,507,594, G>C. VCF-style: chr21-45507594-G-C. GRCh37 (hg19) VCF-style: chr21-46927508-G-C.
Other names: c.4494+1G>C (NM_130444.3); c.3789+1G>C (NM_030582.4).
Identifiers: ClinVar variation 2127307 (VCV002127307.4), dbSNP rs2517826809, ClinGen allele CA410500512.

ClinVar aggregate classification (germline): Likely pathogenic (1 of 4 stars; one submission).

Submission:

Labcorp Genetics (formerly Invitae), Labcorp
Classification: Likely pathogenic. Last evaluated: 2022-04-17. Review status: criteria provided, single submitter. Criteria: Invitae Variant Classification Sherloc (09022015). Collection method: clinical testing. Allele origin: germline.
Comment: In summary, the currently available evidence indicates that the variant is pathogenic, but additional data are needed to prove that conclusively. Therefore, this variant has been classified as Likely Pathogenic. Algorithms developed to predict the effect of sequence changes on RNA splicing suggest that this variant may disrupt the consensus splice site. This variant has not been reported in the literature in individuals affected with COL18A1-related conditions. This variant is not present in population databases (gnomAD no frequency). This sequence change affects a donor splice site in intron 38 of the COL18A1 gene. It is expected to disrupt RNA splicing. Variants that disrupt the donor or acceptor splice site typically lead to a loss of protein function (PMID: 16199547), and loss-of-function variants in COL18A1 are known to be pathogenic (PMID: 12415512, 25456301).

Literature cited by the submitters: PubMed 16199547; PubMed 12415512; PubMed 25456301.